The following is an entry in ClinVar:

NM_014425.5(INVS):c.1111A>G (p.Ser371Gly)

Gene: INVS (inversin; plus strand). Cytogenetic location: 9q31.1.
Variant type: single nucleotide variant.
Coding change: c.1111A>G on transcript NM_014425.5 (MANE Select); coding-DNA position 1111, A replaced by G.
Protein change: p.Ser371Gly; replaces serine 371 with glycine.
Molecular consequence: missense variant. On other transcripts: non-coding transcript variant (1).
Genome position (GRCh38, 1-based): chr9:100,252,315, A>G. VCF-style: chr9-100252315-A-G. GRCh37 (hg19) VCF-style: chr9-103014597-A-G.
Other names: c.1111A>G (NM_014425.4, NM_014425.2); c.823A>G, p.Ser275Gly (NM_001318381.2); c.133A>G, p.Ser45Gly (NM_001318382.2); short protein forms S371G, S275G, S45G.
Identifiers: ClinVar variation 531619 (VCV000531619.23), dbSNP rs200546215, ClinGen allele CA5158332.

ClinVar aggregate classification (germline): Conflicting classifications of pathogenicity. Review status: criteria provided, conflicting classifications (1 of 4 stars). 6 submissions from 6 submitters: Uncertain significance (4); Likely benign (2). Last evaluated 2026-07-17.

Conditions:
INVS-related disorder. Also called: INVS-related condition.
Infantile nephronophthisis (NPHP2). Also called: Nephronophthisis 2, infantile; Nephronophthisis 2. Identifiers: Orphanet 655, Orphanet 93591, MedGen C1865872, MONDO:0011190, OMIM 602088.
Nephronophthisis. Also called: Juvenile Nephronophthisis. Identifiers: Orphanet 655, MedGen C0687120, MONDO:0019005, HP:0000090.
Inborn genetic diseases. Identifiers: MedGen C0950123, MeSH D030342.

Allele frequency attached by ClinVar (database versions not stated): gnomAD 0.00003 and 0.00004; gnomAD exomes 0.00006 and 0.00012; TOPMed 0.00006; ExAC 0.00007; ESP Exome Variant Server 0.00008.
gnomAD v4.1: 104 of 1,613,970 alleles (0.0064%); highest among the groups gnomAD compares: Non-Finnish European, 0.001%; no homozygotes.

Submissions (6):

PreventionGenetics, part of Exact Sciences
Classification: Uncertain significance for INVS-related condition. Last evaluated: 2026-07-17. Review status: criteria provided, single submitter. Criteria: ACMG Guidelines, 2015. Collection method: clinical testing. Allele origin: germline.
Comment: The INVS c.1111A>G variant is predicted to result in the amino acid substitution p.Ser371Gly. To our knowledge, this variant has not been reported in the literature. This variant is reported in 0.29% of alleles in individuals of Ashkenazi Jewish descent in gnomAD. Although we suspect that this variant may be benign, at this time, the clinical significance of this variant is uncertain due to the absence of conclusive functional and genetic evidence.

Labcorp Genetics (formerly Invitae), Labcorp
Classification: Likely benign for Nephronophthisis. Last evaluated: 2026-01-03. Review status: criteria provided, single submitter. Criteria: Invitae Variant Classification Sherloc (09022015). Collection method: clinical testing. Allele origin: germline.

Blueprint Genetics
Classification: Likely benign. Last evaluated: 2024-08-16. Review status: criteria provided, single submitter. Criteria: ACMG Guidelines, 2015. Collection method: clinical testing. Allele origin: germline.

Ambry Genetics
Classification: Uncertain significance for Inborn genetic diseases. Last evaluated: 2023-04-19. Review status: criteria provided, single submitter. Criteria: Ambry Variant Classification Scheme 2023. Collection method: clinical testing. Allele origin: germline.

Illumina Laboratory Services, Illumina
Classification: Uncertain significance for Infantile nephronophthisis. Last evaluated: 2018-01-12. Review status: criteria provided, single submitter. Criteria: ICSL Variant Classification Criteria 13 December 2019. Collection method: clinical testing. Allele origin: germline.

Eurofins Ntd Llc (ga)
Classification: Uncertain significance. Last evaluated: 2017-10-19. Review status: criteria provided, single submitter. Criteria: EGL Classification Definitions 2015. Collection method: clinical testing. Allele origin: germline. Observed: 1 variant allele, 1 heterozygote.